The following is an entry in ClinVar:

NM_001194.4(HCN2):c.2534C>T (p.Thr845Ile)

Gene: HCN2 (hyperpolarization activated cyclic nucleotide gated potassium and sodium channel 2; plus strand). Cytogenetic location: 19p13.3.
Variant type: single nucleotide variant.
Coding change: c.2534C>T on transcript NM_001194.4 (MANE Select); coding-DNA position 2534, C replaced by T.
Protein change: p.Thr845Ile; replaces threonine 845 with isoleucine.
Molecular consequence: missense variant.
Genome position (GRCh38, 1-based): chr19:616,338, C>T. VCF-style: chr19-616338-C-T. GRCh37 (hg19) VCF-style: chr19-616338-C-T.
Other names: short protein forms T845I.
Identifiers: ClinVar variation 4088203 (VCV004088203.1).

ClinVar aggregate classification (germline): Uncertain significance (1 of 4 stars; one submission).

gnomAD v4.1: 1 of 1,206,104 alleles (0.000083%); highest among the groups gnomAD compares: Non-Finnish European, 0.0001%; no homozygotes.

Submission:

GeneDx
Classification: Uncertain significance. Last evaluated: 2025-03-24. Review status: criteria provided, single submitter. Criteria: GeneDx Variant Classification Process June 2021. Collection method: clinical testing. Allele origin: germline. Affected: yes.
Comment: Not observed at significant frequency in large population cohorts (gnomAD); In silico analysis indicates that this missense variant does not alter protein structure/function; Has not been previously published as pathogenic or benign to our knowledge